The following is an entry in ClinVar:

NM_022489.4(INF2):c.206T>C (p.Leu69Pro)

Gene: INF2 (inverted formin 2; plus strand). Cytogenetic location: 14q32.33.
Variant type: single nucleotide variant.
Coding change: c.206T>C on transcript NM_022489.4 (MANE Select); coding-DNA position 206, T replaced by C.
Protein change: p.Leu69Pro; replaces leucine 69 with proline.
Molecular consequence: missense variant.
Genome position (GRCh38, 1-based): chr14:104,701,571, T>C. VCF-style: chr14-104701571-T-C. GRCh37 (hg19) VCF-style: chr14-105167908-T-C.
Other names: c.206T>C, p.Leu69Pro (NM_001031714.4, NM_032714.3); short protein forms L69P.
Identifiers: ClinVar variation 637710 (VCV000637710.2), dbSNP rs1595163820, ClinGen allele CA391225451.

ClinVar aggregate classification (germline): Likely pathogenic. Review status: criteria provided, single submitter (1 of 4 stars). 2 submissions from 2 submitters: Likely pathogenic (1). 1 of the submissions does not count toward it. Last evaluated 2025-01-26.

Conditions:
Charcot-Marie-Tooth disease. Also called: Charcot-Marie-Tooth Hereditary Neuropathy; Charcot-Marie-Tooth Neuropathy. Identifiers: Orphanet 166, MedGen C0007959, MONDO:0015626.
Charcot-Marie-Tooth disease dominant intermediate E. Also called: CHARCOT-MARIE-TOOTH NEUROPATHY WITH FOCAL SEGMENTAL GLOMERULONEPHRITIS. Identifiers: Orphanet 93114, MedGen C4302667, MONDO:0013758, OMIM 614455.

Submissions (2):

3billion
Classification: Likely pathogenic for Charcot-Marie-Tooth disease dominant intermediate E. Last evaluated: 2025-01-26. Review status: criteria provided, single submitter. Criteria: ACMG Guidelines, 2015. Collection method: clinical testing. Allele origin: germline. Affected: yes.
Comment: The variant is not observed in the gnomAD v4.1.0 dataset. Predicted Consequence/Location: Missense variant. Missense changes are a common disease-causing mechanism. In silico tool predictions suggest damaging effect of the variant on gene or gene product [REVEL: 0.93 (>=0.6, sensitivity 0.68 and specificity 0.92)]. The same nucleotide change resulting in the same amino acid change has been previously reported to be associated with INF2-related disorder (PMID: 23521651). The variant has been previously reported as assumed (i.e. paternity and maternity not confirmed) de novo in at least one similarly affected unrelated individual (PMID: 23521651). Therefore, this variant is classified as Likely pathogenic according to the recommendation of ACMG/AMP guideline.

Inherited Neuropathy Consortium
Classification: Uncertain significance for Charcot-Marie-Tooth disease. Review status: no assertion criteria provided. Collection method: literature only. Allele origin: germline. Affected: yes. Not counted in ClinVar's aggregate classification.

Literature cited by the submitters: PubMed 23521651 (cited by 3billion and Inherited Neuropathy Consortium).